The following is an entry in ClinVar:

ClinVar aggregate classification (germline): Likely benign. Review status: criteria provided, single submitter (1 of 4 stars). 2 submissions from 2 submitters: Likely benign (1). 1 of the submissions does not count toward it. Last evaluated 2024-05-05.

Conditions:
PCLO-related disorder. Also called: PCLO-related condition.

Allele frequency attached by ClinVar (database versions not stated): gnomAD exomes below 0.00001; gnomAD 0.00001; TOPMed 0.00002.
gnomAD v4.1: 5 of 1,613,740 alleles (0.00031%); highest among the groups gnomAD compares: African/African-American, 0.0053%; no homozygotes.

Submissions (2):

Labcorp Genetics (formerly Invitae), Labcorp
Classification: Likely benign. Last evaluated: 2024-05-05. Review status: criteria provided, single submitter. Criteria: Invitae Variant Classification Sherloc (09022015). Collection method: clinical testing. Allele origin: germline.

PreventionGenetics, part of Exact Sciences
Classification: Likely benign for PCLO-related condition. Last evaluated: 2021-12-01. Review status: no assertion criteria provided. Collection method: clinical testing. Allele origin: germline. Not counted in ClinVar's aggregate classification.
Comment: This variant is classified as likely benign based on ACMG/AMP sequence variant interpretation guidelines (Richards et al. 2015 PMID: 25741868, with internal and published modifications).

NM_033026.6(PCLO):c.3879C>G (p.Thr1293=)

Gene: PCLO (piccolo presynaptic cytomatrix protein; minus strand). Cytogenetic location: 7q21.11.
Variant type: single nucleotide variant.
Coding change: c.3879C>G on transcript NM_033026.6 (MANE Select); coding-DNA position 3879, C replaced by G.
Protein change: p.Thr1293=; no amino-acid change (threonine 1293 retained).
Molecular consequence: synonymous variant.
Genome position (GRCh38, 1-based): chr7:82,965,909, G>C on the plus strand (C>G on the coding strand, the complement: PCLO is on the minus strand). VCF-style: chr7-82965909-G-C. GRCh37 (hg19) VCF-style: chr7-82595225-G-C.
Other names: c.3879C>G (NM_033026.5); c.3879C>G, p.Thr1293= (NM_014510.3).
Identifiers: ClinVar variation 2803148 (VCV002803148.5), dbSNP rs1375643341, ClinGen allele CA456341924.